The following is an entry in ClinVar:

ClinVar aggregate classification (germline): Likely benign. Review status: criteria provided, single submitter (1 of 4 stars). 2 submissions from 2 submitters: Likely benign (1). 1 of the submissions does not count toward it. Last evaluated 2018-06-28.

Conditions:
CMIP-related disorder. Also called: CMIP-related condition.

Allele frequency attached by ClinVar (database versions not stated): gnomAD exomes 0.00029; ExAC 0.00032; gnomAD 0.00046 and 0.00047; TOPMed 0.00059; ESP Exome Variant Server 0.00065; 1000 Genomes Project 0.00080; 1000 Genomes Project 30x 0.00125.
gnomAD v4.1: 435 of 1,613,998 alleles (0.027%); highest among the groups gnomAD compares: African/African-American, 0.14%; 1 homozygote.

Submissions (2):

Labcorp Genetics (formerly Invitae), Labcorp
Classification: Likely benign. Last evaluated: 2018-06-28. Review status: criteria provided, single submitter. Criteria: Invitae Variant Classification Sherloc (09022015). Collection method: clinical testing. Allele origin: germline.

PreventionGenetics, part of Exact Sciences
Classification: Likely benign for CMIP-related condition. Last evaluated: 2019-02-28. Review status: no assertion criteria provided. Collection method: clinical testing. Allele origin: germline. Not counted in ClinVar's aggregate classification.
Comment: This variant is classified as likely benign based on ACMG/AMP sequence variant interpretation guidelines (Richards et al. 2015 PMID: 25741868, with internal and published modifications).

NM_198390.3(CMIP):c.336C>T (p.Ser112=)

Gene: CMIP (c-Maf inducing protein; plus strand). Cytogenetic location: 16q23.3.
Variant type: single nucleotide variant.
Coding change: c.336C>T on transcript NM_198390.3 (MANE Select); coding-DNA position 336, C replaced by T.
Protein change: p.Ser112=; no amino-acid change (serine 112 retained).
Molecular consequence: synonymous variant.
Genome position (GRCh38, 1-based): chr16:81,607,602, C>T. VCF-style: chr16-81607602-C-T. GRCh37 (hg19) VCF-style: chr16-81641207-C-T.
Other names: c.54C>T, p.Ser18= (NM_030629.3).
Identifiers: ClinVar variation 711135 (VCV000711135.5), dbSNP rs57603843, ClinGen allele CA8192017.